The following is an entry in ClinVar:

NM_020754.4(ARHGAP31):c.2425T>C (p.Ser809Pro)

Gene: ARHGAP31 (Rho GTPase activating protein 31; plus strand). Cytogenetic location: 3q13.33.
Variant type: single nucleotide variant.
Coding change: c.2425T>C on transcript NM_020754.4 (MANE Select); coding-DNA position 2425, T replaced by C.
Protein change: p.Ser809Pro; replaces serine 809 with proline.
Molecular consequence: missense variant.
Genome position (GRCh38, 1-based): chr3:119,414,354, T>C. VCF-style: chr3-119414354-T-C. GRCh37 (hg19) VCF-style: chr3-119133201-T-C.
Other names: short protein forms S809P.
Identifiers: ClinVar variation 5002235 (VCV005002235.1).
Genomic context (GRCh38, chr3:119,414,354, plus strand): 5'-ACTCCTCTGGAGGAGTCAACTCCAGTCCTGCTTTCAAAGGGCGGCCCGGAAAGAGAAGAC[T>C]CATCCAGGAAATTGAGGACAGATCTCTACATAGACCAGCTGAAGTCCCAAGACAGCCCTG-3'
Protein context (NP_065805.2, residues 799-819): LSKGGPERED[Ser809Pro]SRKLRTDLYI

ClinVar aggregate classification (germline): Uncertain significance (1 of 4 stars; one submission).

Conditions:
ARHGAP31-related disorder. Also called: ARHGAP31-related condition.

gnomAD v4.1: 6 of 1,613,974 alleles (0.00037%); highest among the groups gnomAD compares: Non-Finnish European, 0.00051%; no homozygotes.

Submission:

PreventionGenetics, part of Exact Sciences
Classification: Uncertain significance for ARHGAP31-related condition. Last evaluated: 2025-04-12. Review status: criteria provided, single submitter. Criteria: ACMG Guidelines, 2015. Collection method: clinical testing. Allele origin: germline.
Comment: The ARHGAP31 c.2425T>C variant is predicted to result in the amino acid substitution p.Ser809Pro. To our knowledge, this variant has not been reported in the literature. This variant is reported in 0.0065% of alleles in individuals of European (Non-Finnish) descent in gnomAD. At this time, the clinical significance of this variant is uncertain due to the absence of conclusive functional and genetic evidence.